The following is an entry in ClinVar:

ClinVar aggregate classification (germline): Uncertain significance (1 of 4 stars; one submission).

Conditions:
Acrofacial dysostosis Cincinnati type. Identifiers: Orphanet 1200, MedGen C4225317, MONDO:0014651, OMIM 616462.

Allele frequency attached by ClinVar (database versions not stated): gnomAD 0.00001; gnomAD exomes 0.00001; TOPMed 0.00001.

Submission:

Victorian Clinical Genetics Services, Murdoch Childrens Research Institute
Classification: Uncertain significance for Acrofacial dysostosis Cincinnati type. Last evaluated: 2023-07-17. Review status: criteria provided, single submitter. Criteria: ACMG Guidelines, 2015. Collection method: clinical testing. Allele origin: germline. Inheritance: Autosomal dominant inheritance. Affected: yes.
Comment: Based on the classification scheme VCGS_Germline_v1.3.4, this variant is classified as VUS-3B. Following criteria are met: 0102 - Loss of function is a known mechanism of disease in this gene and is associated with acrofacial dysostosis, Cincinnati type, (MIM#616462). (I) 0107 - This gene is associated with autosomal dominant disease. (I) 0115 - Variants in this gene are known to have variable expressivity, with variable severity (PMID: 25913037). (I) 0200 - Variant is predicted to result in a missense amino acid change from asparagine to serine. (I) 0251 - This variant is heterozygous. (I) 0302 - Variant is present in gnomAD (v3) <0.001 for a dominant condition (1 heterozygote, 0 homozygotes). (SP) 0502 - Missense variant with conflicting in silico predictions and uninformative conservation. (I) 0600 - Variant is located in the annotated RNA polymerase Rpb1, domain 1 (DECIPHER). (I) 0705 - No comparable missense variants have previous evidence for pathogenicity. (I) 0807 - This variant has no previous evidence of pathogenicity. (I) 0905 - No published segregation evidence has been identified for this variant. (I) 1007 - No published functional evidence has been identified for this variant. (I) 1208 - Inheritance information for this variant is not currently available in this individual. (I) Legend: (SP) - Supporting pathogenic, (I) - Information, (SB) - Supporting benign

Literature cited by the submitters: PubMed 25913037.

NM_015425.6(POLR1A):c.965A>G (p.Asn322Ser)

Gene: POLR1A (RNA polymerase I subunit A; minus strand). Cytogenetic location: 2p11.2.
Variant type: single nucleotide variant.
Coding change: c.965A>G on transcript NM_015425.6 (MANE Select); coding-DNA position 965, A replaced by G.
Protein change: p.Asn322Ser; replaces asparagine 322 with serine.
Molecular consequence: missense variant.
Genome position (GRCh38, 1-based): chr2:86,080,937, T>C on the plus strand (A>G on the coding strand, the complement: POLR1A is on the minus strand). VCF-style: chr2-86080937-T-C. GRCh37 (hg19) VCF-style: chr2-86308060-T-C.
Other names: short protein forms N322S.
Identifiers: ClinVar variation 3254637 (VCV003254637.1), dbSNP rs1391979003.
Genomic context (GRCh38, chr2:86,080,937, plus strand): 5'-AGAAGTTTTCGAATCAGAACTACATCCTTCATGACAGCCTGCAAGTTCACCGTCTGGCCA[T>C]TAGTAAACATCTGGTCTCCTAGGCGACTGACTGGGCGATACCTGCAGGGGGACATACGGA-3'
Protein context (NP_056240.2, residues 312-332): VSRLGDQMFT[Asn322Ser]GQTVNLQAVM